The following is an entry in ClinVar:

NM_000093.5(COL5A1):c.4794C>T (p.Gly1598=)

Genes: COL5A1 (collagen type V alpha 1 chain; plus strand), LOC101448202 (uncharacterized LOC101448202; minus strand). Cytogenetic location: 9q34.3.
Variant type: single nucleotide variant.
Coding change: c.4794C>T on transcript NM_000093.5 (MANE Select); coding-DNA position 4794, C replaced by T.
Protein change: p.Gly1598=; no amino-acid change (glycine 1598 retained).
Molecular consequence: synonymous variant.
Genome position (GRCh38, 1-based): chr9:134,824,695, C>T. VCF-style: chr9-134824695-C-T. GRCh37 (hg19) VCF-style: chr9-137716541-C-T.
Other names: p.G1598G:GGC>GGT; c.4794C>T, p.Gly1598= (NM_001278074.1).
Identifiers: ClinVar variation 213057 (VCV000213057.12), dbSNP rs863223481, ClinGen allele CA321077.

ClinVar aggregate classification (germline): Conflicting classifications of pathogenicity. Review status: criteria provided, conflicting classifications (1 of 4 stars). 5 submissions from 5 submitters: Uncertain significance (2); Benign (1); Likely benign (2). Last evaluated 2025-11-01.

Conditions:
Ehlers-Danlos syndrome, classic type, 1 (EDSCL1). Also called: Ehlers-Danlos Syndrome, Classic Type, COL5A1-Related; EHLERS-DANLOS SYNDROME, GRAVIS TYPE; EHLERS-DANLOS SYNDROME, SEVERE CLASSIC TYPE; Ehlers-Danlos syndrome, type 1; EDS I. Identifiers: MedGen C0268335, MONDO:0019567, OMIM 130000.
Familial thoracic aortic aneurysm and aortic dissection (TAAD). Also called: Thoracic aortic aneurysms and dissections. Identifiers: Orphanet 91387, MedGen C4707243, MONDO:0019625.

Allele frequency attached by ClinVar (database versions not stated): gnomAD exomes below 0.00001 and 0.00001; TOPMed 0.00004; gnomAD 0.00002.
gnomAD v4.1: 10 of 1,614,094 alleles (0.00062%); highest among the groups gnomAD compares: African/African-American, 0.0053%; no homozygotes.

Submissions (5):

Labcorp Genetics (formerly Invitae), Labcorp
Classification: Benign for Ehlers-Danlos syndrome, classic type, 1. Last evaluated: 2025-11-01. Review status: criteria provided, single submitter. Criteria: Invitae Variant Classification Sherloc (09022015). Collection method: clinical testing. Allele origin: germline.

Women's Health and Genetics/Laboratory Corporation of America, LabCorp
Classification: Uncertain significance. Last evaluated: 2025-04-24. Review status: criteria provided, single submitter. Criteria: LabCorp Variant Classification Summary - May 2015. Collection method: clinical testing. Allele origin: germline.
Comment: Variant summary: COL5A1 c.4794C>T alters a non-conserved nucleotide resulting in a synonymous change. Several computational tools predict a significant impact on normal splicing: four predict the variant creates a deep-exonic 5' donor site. However, these predictions have yet to be confirmed by functional studies. The variant allele was found at a frequency of 6.2e-06 in 1607098 control chromosomes in the gnomAD database (v4.1 dataset). This frequency is not higher than the maximum estimated for a pathogenic variant in COL5A1 causing Ehlers-Danlos syndrome, classic type, Ehlers-Danlos syndrome, classic type, 1 (3.1e-05), allowing no conclusion about variant significance. To our knowledge, no occurrence of c.4794C>T in individuals affected with Ehlers-Danlos syndrome, classic type, Ehlers-Danlos syndrome, classic type, 1 and no experimental evidence demonstrating its impact on protein function have been reported. ClinVar contains an entry for this variant (Variation ID: 213057). Based on the evidence outlined above, the variant was classified as uncertain significance.

ARUP Laboratories, Molecular Genetics and Genomics, ARUP Laboratories
Classification: Likely benign. Last evaluated: 2024-07-29. Review status: criteria provided, single submitter. Criteria: ARUP Molecular Germline Variant Investigation Process 2024. Collection method: clinical testing. Allele origin: germline.

Ambry Genetics
Classification: Likely benign for Familial thoracic aortic aneurysm and aortic dissection. Last evaluated: 2022-10-14. Review status: criteria provided, single submitter. Criteria: Ambry Variant Classification Scheme 2023. Collection method: clinical testing. Allele origin: germline.

GeneDx
Classification: Uncertain significance. Last evaluated: 2021-10-29. Review status: criteria provided, single submitter. Criteria: GeneDx Variant Classification Process June 2021. Collection method: clinical testing. Allele origin: germline. Affected: yes.
Comment: In silico analysis suggests this variant may impact gene splicing. In the absence of RNA/functional studies, the actual effect of this sequence change is unknown.; Not observed at significant frequency in large population cohorts (Lek et al., 2016); Reported in ClinVar but additional evidence is not available (ClinVar Variant ID: 213057; Landrum et al., 2016); Has not been previously published as pathogenic or benign to our knowledge; This variant is associated with the following publications: (PMID: 26582918)